The following is an entry in ClinVar:

ClinVar aggregate classification (germline): Uncertain significance. Review status: criteria provided, multiple submitters, no conflicts (2 of 4 stars). 2 submissions from 2 submitters: Uncertain significance (2). Last evaluated 2025-10-26.

Conditions:
Tay-Sachs disease (TSD). Also called: HEXA Disorders; HEXA DEFICIENCY; GM2 gangliosidosis, type 1; Hexosaminidase alpha-subunit deficiency (variant B); Sphingolipidosis, Tay-Sachs; Hexosaminidase A Deficiency. Identifiers: Orphanet 845, MedGen C0039373, MONDO:0010100, OMIM 272800.
Inborn genetic diseases. Identifiers: MedGen C0950123, MeSH D030342.

Allele frequency attached by ClinVar (database versions not stated): gnomAD exomes 0.00001 and 0.00002; TOPMed 0.00002; ExAC 0.00003.
gnomAD v4.1: 6 of 1,614,118 alleles (0.00037%); highest among the groups gnomAD compares: Admixed American, 0.01%; no homozygotes.

Submissions (2):

Labcorp Genetics (formerly Invitae), Labcorp
Classification: Uncertain significance for Tay-Sachs disease. Last evaluated: 2025-10-26. Review status: criteria provided, single submitter. Criteria: Invitae Variant Classification Sherloc (09022015). Collection method: clinical testing. Allele origin: germline.
Comment: This sequence change replaces proline, which is neutral and non-polar, with arginine, which is basic and polar, at codon 419 of the HEXA protein (p.Pro419Arg). This variant is present in population databases (rs772431056, gnomAD 0.02%). This variant has not been reported in the literature in individuals affected with HEXA-related conditions. ClinVar contains an entry for this variant (Variation ID: 1349151). Invitae Evidence Modeling of protein sequence and biophysical properties (such as structural, functional, and spatial information, amino acid conservation, physicochemical variation, residue mobility, and thermodynamic stability) indicates that this missense variant is expected to disrupt HEXA protein function with a positive predictive value of 80%. In summary, the available evidence is currently insufficient to determine the role of this variant in disease. Therefore, it has been classified as a Variant of Uncertain Significance.

Ambry Genetics
Classification: Uncertain significance for Inborn genetic diseases. Last evaluated: 2025-09-01. Review status: criteria provided, single submitter. Criteria: Ambry Variant Classification Scheme 2023. Collection method: clinical testing. Allele origin: germline.

NM_000520.6(HEXA):c.1256C>G (p.Pro419Arg)

Gene: HEXA (hexosaminidase subunit alpha; minus strand). Cytogenetic location: 15q23.
Variant type: single nucleotide variant.
Coding change: c.1256C>G on transcript NM_000520.6 (MANE Select); coding-DNA position 1256, C replaced by G.
Protein change: p.Pro419Arg; replaces proline 419 with arginine.
Molecular consequence: missense variant.
Genome position (GRCh38, 1-based): chr15:72,346,601, G>C on the plus strand (C>G on the coding strand, the complement: HEXA is on the minus strand). VCF-style: chr15-72346601-G-C. GRCh37 (hg19) VCF-style: chr15-72638942-G-C.
Other names: c.1289C>G, p.Pro430Arg (NM_001318825.2); c.1256C>G (NM_000520.4); short protein forms P419R, P430R.
Identifiers: ClinVar variation 1349151 (VCV001349151.7), dbSNP rs772431056, ClinGen allele CA7644746.